The following is an entry in ClinVar:

ClinVar aggregate classification (germline): Uncertain significance. Review status: criteria provided, multiple submitters, no conflicts (2 of 4 stars). 2 submissions from 2 submitters: Uncertain significance (2). Last evaluated 2025-11-26.

gnomAD v4.1: 5 of 1,611,076 alleles (0.00031%); highest among the groups gnomAD compares: Non-Finnish European, 0.00042%; no homozygotes.

Submissions (2):

Ambry Genetics
Classification: Uncertain significance. Last evaluated: 2025-11-26. Review status: criteria provided, single submitter. Criteria: Ambry Variant Classification Scheme 2023. Collection method: clinical testing. Allele origin: germline.

Labcorp Genetics (formerly Invitae), Labcorp
Classification: Uncertain significance. Last evaluated: 2025-09-02. Review status: criteria provided, single submitter. Criteria: Invitae Variant Classification Sherloc (09022015). Collection method: clinical testing. Allele origin: germline.
Comment: This sequence change replaces serine, which is neutral and polar, with arginine, which is basic and polar, at codon 54 of the IFT88 protein (p.Ser54Arg). This variant is not present in population databases (gnomAD no frequency). This variant has not been reported in the literature in individuals affected with IFT88-related conditions. ClinVar contains an entry for this variant (Variation ID: 3009328). An algorithm developed to predict the effect of missense changes on protein structure and function (PolyPhen-2) suggests that this variant is likely to be disruptive. In summary, the available evidence is currently insufficient to determine the role of this variant in disease. Therefore, it has been classified as a Variant of Uncertain Significance.

NM_006531.5(IFT88):c.135T>G (p.Ser45Arg)

Gene: IFT88 (intraflagellar transport 88; plus strand). Cytogenetic location: 13q12.11.
Variant type: single nucleotide variant.
Coding change: c.135T>G on transcript NM_006531.5 (MANE Select); coding-DNA position 135, T replaced by G.
Protein change: p.Ser45Arg; replaces serine 45 with arginine.
Molecular consequence: missense variant. On other transcripts: 5 prime UTR variant (1), non-coding transcript variant (5).
Genome position (GRCh38, 1-based): chr13:20,583,001, T>G. VCF-style: chr13-20583001-T-G. GRCh37 (hg19) VCF-style: chr13-21157140-T-G.
Other names: c.135T>G, p.Ser45Arg (NM_001353572.2, NM_001353573.2, NM_001353574.2 and 5 more transcripts); c.162T>G, p.Ser54Arg (NM_001353576.2, NM_001353577.2, NM_175605.5 and 6 more transcripts); c.-429T>G (NM_001353579.2); c.162T>G (NM_175605.3); short protein forms S45R, S54R.
Identifiers: ClinVar variation 3009328 (VCV003009328.4), dbSNP rs1566073024, ClinGen allele CA387471329.
Genomic context (GRCh38, chr13:20,583,001, plus strand): 5'-TGCGTTTTCATTTTAGGAATTGGAGAATGATGCAGCTTTTCAGCAAGCTGTGAGGACTAG[T>G]CATGGCAGAAGACCTCCAGTAAGTGAAAAAAATTTTTTTTAAATTGTGGTAAAAAATACA-3'
Protein context (NP_006522.2, residues 35-55): DAAFQQAVRT[Ser45Arg]HGRRPPITAK